The following is an entry in ClinVar:

ClinVar aggregate classification (germline): Conflicting classifications of pathogenicity. Review status: criteria provided, conflicting classifications (1 of 4 stars). 7 submissions from 7 submitters: Uncertain significance (1); Benign (2); Likely benign (4). Last evaluated 2026-08-01.

Conditions:
Autosomal recessive nonsyndromic hearing loss 3. Also called: NEUROSENSORY NONSYNDROMIC RECESSIVE DEAFNESS 3. Identifiers: Orphanet 90636, MedGen C1838263, MONDO:0010860, OMIM 600316.

Allele frequency attached by ClinVar (database versions not stated): gnomAD 0.00045; TOPMed 0.00056; ESP Exome Variant Server 0.00083; 1000 Genomes Project 30x 0.00094; 1000 Genomes Project 0.00120; gnomAD exomes 0.00123; ExAC 0.00129.

Submissions (7):

CeGaT Center for Human Genetics Tuebingen
Classification: Likely benign. Last evaluated: 2026-08-01. Review status: criteria provided, single submitter. Criteria: CeGaT Center For Human Genetics Tuebingen Variant Classification Criteria Version 2. Collection method: clinical testing. Allele origin: germline. Affected: yes. Observed: 3 variant alleles.
Comment: MYO15A: BP4, BP7

Labcorp Genetics (formerly Invitae), Labcorp
Classification: Benign. Last evaluated: 2025-11-11. Review status: criteria provided, single submitter. Criteria: Invitae Variant Classification Sherloc (09022015). Collection method: clinical testing. Allele origin: germline.

Blueprint Genetics
Classification: Likely benign. Last evaluated: 2024-11-04. Review status: criteria provided, single submitter. Criteria: ACMG Guidelines, 2015. Collection method: clinical testing. Allele origin: germline.

GeneDx
Classification: Likely benign. Last evaluated: 2020-10-22. Review status: criteria provided, single submitter. Criteria: GeneDx Variant Classification Process June 2021. Collection method: clinical testing. Allele origin: germline. Affected: yes.

Illumina Laboratory Services, Illumina
Classification: Uncertain significance for Autosomal recessive nonsyndromic hearing loss 3. Last evaluated: 2018-01-13. Review status: criteria provided, single submitter. Criteria: ICSL Variant Classification Criteria 13 December 2019. Collection method: clinical testing. Allele origin: germline.

Laboratory for Molecular Medicine, Mass General Brigham Personalized Medicine
Classification: Benign. Last evaluated: 2015-08-27. Review status: criteria provided, single submitter. Criteria: LMM Criteria. Collection method: clinical testing. Allele origin: germline. Observed: 1 variant allele.
Comment: p.Tyr305Tyr in exon 2 of MYO15A: This variant is not expected to have clinical s ignificance because it does not alter an amino acid residue and is not located w ithin the splice consensus sequence. It has been identified in 0.49% (81/16474) of South Asian chromosomes by the Exome Aggregation Consortium (ExAC; dbSNP rs200695102).

PreventionGenetics, part of Exact Sciences
Classification: Likely benign. Review status: criteria provided, single submitter. Criteria: ACMG Guidelines, 2015. Collection method: clinical testing. Allele origin: germline.

NM_016239.4(MYO15A):c.915C>T (p.Tyr305=)

Gene: MYO15A (myosin XVA; plus strand). Cytogenetic location: 17p11.2.
Variant type: single nucleotide variant.
Coding change: c.915C>T on transcript NM_016239.4 (MANE Select); coding-DNA position 915, C replaced by T.
Protein change: p.Tyr305=; no amino-acid change (tyrosine 305 retained).
Molecular consequence: synonymous variant.
Genome position (GRCh38, 1-based): chr17:18,119,715, C>T. VCF-style: chr17-18119715-C-T. GRCh37 (hg19) VCF-style: chr17-18023029-C-T.
Identifiers: ClinVar variation 226792 (VCV000226792.43), dbSNP rs200695102, ClinGen allele CA8422971.